The following is an entry in ClinVar:

ClinVar aggregate classification (germline): Uncertain significance (1 of 4 stars; one submission).

Conditions:
Bethlem myopathy 1A. Also called: MYOPATHY, BENIGN CONGENITAL, WITH CONTRACTURES; Bethlem myopathy 1; Bethlem Muscular Dystrophy. Identifiers: Orphanet 610, MedGen CN029274, MONDO:0024530, OMIM 158810.

Submission:

Labcorp Genetics (formerly Invitae), Labcorp
Classification: Uncertain significance for Bethlem myopathy 1A. Last evaluated: 2021-09-29. Review status: criteria provided, single submitter. Criteria: Invitae Variant Classification Sherloc (09022015). Collection method: clinical testing. Allele origin: germline.
Comment: This variant disrupts the triple helix domain of COL6A1. Glycine residues within the Gly-Xaa-Yaa repeats of the triple helix domain are required for the structure and stability of fibrillar collagens (PMID: 7695699, 8218237, 19344236). In COL6A1, variants at these glycine residues are significantly enriched in individuals with autosomal dominant disease (PMID: 15689448, 24038877) compared to the general population (ExAC). In summary, the available evidence is currently insufficient to determine the role of this variant in disease. Therefore, it has been classified as a Variant of Uncertain Significance. Algorithms developed to predict the effect of sequence changes on RNA splicing suggest that this variant may create or strengthen a splice site. Advanced modeling of protein sequence and biophysical properties (such as structural, functional, and spatial information, amino acid conservation, physicochemical variation, residue mobility, and thermodynamic stability) performed at Invitae indicates that this missense variant is expected to disrupt COL6A1 protein function. This variant has not been reported in the literature in individuals affected with COL6A1-related conditions. This variant is not present in population databases (ExAC no frequency). This sequence change replaces glycine with valine at codon 314 of the COL6A1 protein (p.Gly314Val). The glycine residue is highly conserved and there is a moderate physicochemical difference between glycine and valine.

Literature cited by the submitters: PubMed 7695699; PubMed 8218237; PubMed 19344236; PubMed 15689448; PubMed 24038877.

NM_001848.3(COL6A1):c.941G>T (p.Gly314Val)

Gene: COL6A1 (collagen type VI alpha 1 chain; plus strand). Cytogenetic location: 21q22.3.
Variant type: single nucleotide variant.
Coding change: c.941G>T on transcript NM_001848.3 (MANE Select); coding-DNA position 941, G replaced by T.
Protein change: p.Gly314Val; replaces glycine 314 with valine.
Molecular consequence: missense variant.
Genome position (GRCh38, 1-based): chr21:45,990,268, G>T. VCF-style: chr21-45990268-G-T. GRCh37 (hg19) VCF-style: chr21-47410182-G-T.
Other names: short protein forms G314V.
Identifiers: ClinVar variation 1510126 (VCV001510126.6), dbSNP rs1556425679, ClinGen allele CA410522487.